The following is an entry in ClinVar:

NM_014795.4(ZEB2):c.2064del (p.Lys689fs)

Gene: ZEB2 (zinc finger E-box binding homeobox 2; minus strand). Cytogenetic location: 2q22.3.
Variant type: Deletion.
Coding change: c.2064del on transcript NM_014795.4 (MANE Select); coding-DNA position 2064, one base deleted (G; older notation c.2064delG).
Protein change: p.Lys689fs; shifts the reading frame from lysine 689.
Molecular consequence: frameshift variant.
Genome position (GRCh38, 1-based): chr2:144,399,123, C deleted on the plus strand (G on the coding strand, the reverse complement: ZEB2 is on the minus strand). VCF-style (leftmost placement, unchanged base first): chr2-144399122-TC-T. GRCh37 (hg19) VCF-style: chr2-145156689-TC-T.
Other names: c.1992del, p.Lys665fs (NM_001171653.2); short protein forms K665fs, K689fs.
Identifiers: ClinVar variation 1458375 (VCV001458375.6), dbSNP rs2149876861, ClinGen allele CA2573133277.

ClinVar aggregate classification (germline): Pathogenic (1 of 4 stars; one submission).

Conditions:
Mowat-Wilson syndrome (MOWS). Also called: Classic Mowat-Wilson Syndrome. Identifiers: Orphanet 2152, MedGen C1856113, MONDO:0009341, OMIM 235730.

Submission:

Labcorp Genetics (formerly Invitae), Labcorp
Classification: Pathogenic for Mowat-Wilson syndrome. Last evaluated: 2023-11-27. Review status: criteria provided, single submitter. Criteria: Invitae Variant Classification Sherloc (09022015). Collection method: clinical testing. Allele origin: germline.
Comment: This sequence change creates a premature translational stop signal (p.Lys689Argfs*27) in the ZEB2 gene. It is expected to result in an absent or disrupted protein product. Loss-of-function variants in ZEB2 are known to be pathogenic (PMID: 16053902). This variant is not present in population databases (gnomAD no frequency). This variant has not been reported in the literature in individuals affected with ZEB2-related conditions. ClinVar contains an entry for this variant (Variation ID: 1458375). For these reasons, this variant has been classified as Pathogenic.

Literature cited by the submitters: PubMed 16053902.